The following is an entry in ClinVar:

ClinVar aggregate classification (germline): Uncertain significance. Review status: criteria provided, multiple submitters, no conflicts (2 of 4 stars). 3 submissions from 3 submitters: Uncertain significance (3). Last evaluated 2026-03-04.

Conditions:
Endometrial carcinoma. Also called: Endometrial carcinoma, somatic. Identifiers: MedGen C0476089, MONDO:0002447, OMIM 608089, HP:0012114.
Hereditary cancer-predisposing syndrome. Also called: Neoplastic Syndromes, Hereditary; Hereditary neoplastic syndrome; Tumor predisposition; Hereditary Cancer Syndrome. Identifiers: Orphanet 140162, MedGen C0027672, MeSH D009386, MONDO:0015356.

Submissions (3):

Ambry Genetics
Classification: Uncertain significance for Hereditary cancer-predisposing syndrome. Last evaluated: 2026-03-04. Review status: criteria provided, single submitter. Criteria: Ambry Variant Classification Scheme 2023. Collection method: clinical testing. Allele origin: germline.
Comment: The p.T957S variant (also known as c.2869A>T), located in coding exon 21 of the MSH3 gene, results from an A to T substitution at nucleotide position 2869. The threonine at codon 957 is replaced by serine, an amino acid with similar properties. This amino acid position is conserved. In addition, this alteration is predicted to be tolerated by in silico analysis. Based on the available evidence, the clinical significance of this variant remains unclear.

Labcorp Genetics (formerly Invitae), Labcorp
Classification: Uncertain significance. Last evaluated: 2025-08-24. Review status: criteria provided, single submitter. Criteria: Invitae Variant Classification Sherloc (09022015). Collection method: clinical testing. Allele origin: germline.
Comment: This sequence change replaces threonine, which is neutral and polar, with serine, which is neutral and polar, at codon 957 of the MSH3 protein (p.Thr957Ser). This variant is not present in population databases (gnomAD no frequency). This variant has not been reported in the literature in individuals affected with MSH3-related conditions. ClinVar contains an entry for this variant (Variation ID: 647225). An algorithm developed to predict the effect of missense changes on protein structure and function (PolyPhen-2) suggests that this variant is likely to be tolerated. In summary, the available evidence is currently insufficient to determine the role of this variant in disease. Therefore, it has been classified as a Variant of Uncertain Significance.

Baylor Genetics
Classification: Uncertain significance for Endometrial carcinoma. Last evaluated: 2023-08-04. Review status: criteria provided, single submitter. Criteria: ACMG Guidelines, 2015. Collection method: clinical testing. Allele origin: unknown.

NM_002439.5(MSH3):c.2869A>T (p.Thr957Ser)

Gene: MSH3 (mutS homolog 3; plus strand). Cytogenetic location: 5q14.1.
Variant type: single nucleotide variant.
Coding change: c.2869A>T on transcript NM_002439.5 (MANE Select); coding-DNA position 2869, A replaced by T.
Protein change: p.Thr957Ser; replaces threonine 957 with serine.
Molecular consequence: missense variant.
Genome position (GRCh38, 1-based): chr5:80,854,185, A>T. VCF-style: chr5-80854185-A-T. GRCh37 (hg19) VCF-style: chr5-80150004-A-T.
Other names: c.2869A>T (NM_002439.3); short protein forms T957S.
Identifiers: ClinVar variation 647225 (VCV000647225.10), dbSNP rs1580091502, ClinGen allele CA360275578.
Genomic context (GRCh38, chr5:80,854,185, plus strand): 5'-TGTAGGATGGGTGCTGCAGACAATATATATAAAGGACAGAGTACATTTATGGAAGAACTG[A>T]CTGACACAGCAGAAATAATCAGAAAAGCAACATCACAGTCCTTGGTTATCTTGGATGAAC-3'
Protein context (NP_002430.3, residues 947-967): KGQSTFMEEL[Thr957Ser]DTAEIIRKAT